The following is an entry in ClinVar:

NM_000051.4(ATM):c.6818G>A (p.Arg2273Lys)

Genes: ATM (ATM serine/threonine kinase; plus strand), C11orf65 (chromosome 11 open reading frame 65; minus strand). Cytogenetic location: 11q22.3.
Variant type: single nucleotide variant.
Coding change: c.6818G>A on transcript NM_000051.4 (MANE Select); coding-DNA position 6818, G replaced by A.
Protein change: p.Arg2273Lys; replaces arginine 2273 with lysine.
Molecular consequence: missense variant. On other transcripts: intron variant (2).
Genome position (GRCh38, 1-based): chr11:108,326,068, G>A. VCF-style: chr11-108326068-G-A. GRCh37 (hg19) VCF-style: chr11-108196795-G-A.
Other names: c.6818G>A, p.Arg2273Lys (NM_001351834.2); c.641-16997C>T (NM_001330368.2); c.*38+9152C>T (NM_001351110.2); short protein forms R2273K.
Identifiers: ClinVar variation 1313735 (VCV001313735.5), dbSNP rs2136331491, ClinGen allele CA382556477.

ClinVar aggregate classification (germline): Uncertain significance. Review status: criteria provided, multiple submitters, no conflicts (2 of 4 stars). 3 submissions from 3 submitters: Uncertain significance (3). Last evaluated 2025-06-01.

Conditions:
Hereditary cancer-predisposing syndrome. Also called: Tumor predisposition; Neoplastic Syndromes, Hereditary; Hereditary Cancer Syndrome; Hereditary neoplastic syndrome. Identifiers: Orphanet 140162, MedGen C0027672, MeSH D009386, MONDO:0015356.
Ataxia-telangiectasia syndrome (AT). Also called: Ataxia-telangiectasia; LOUIS-BAR SYNDROME; Ataxia-telangiectasia, complementation group D; AT, COMPLEMENTATION GROUP C; ATAXIA-TELANGIECTASIA, COMPLEMENTATION GROUP A; ATAXIA-TELANGIECTASIA, FRESNO VARIANT. Identifiers: Orphanet 100, MedGen C0004135, MONDO:0008840, OMIM 208900.

Submissions (3):

Labcorp Genetics (formerly Invitae), Labcorp
Classification: Uncertain significance for Ataxia-telangiectasia syndrome. Last evaluated: 2025-06-01. Review status: criteria provided, single submitter. Criteria: Invitae Variant Classification Sherloc (09022015). Collection method: clinical testing. Allele origin: germline.
Comment: This sequence change replaces arginine, which is basic and polar, with lysine, which is basic and polar, at codon 2273 of the ATM protein (p.Arg2273Lys). This variant is not present in population databases (gnomAD no frequency). This variant has not been reported in the literature in individuals affected with ATM-related conditions. ClinVar contains an entry for this variant (Variation ID: 1313735). Invitae Evidence Modeling of protein sequence and biophysical properties (such as structural, functional, and spatial information, amino acid conservation, physicochemical variation, residue mobility, and thermodynamic stability) indicates that this missense variant is not expected to disrupt ATM protein function with a negative predictive value of 95%. In summary, the available evidence is currently insufficient to determine the role of this variant in disease. Therefore, it has been classified as a Variant of Uncertain Significance.

Color Diagnostics, LLC DBA Color Health
Classification: Uncertain significance for Hereditary cancer-predisposing syndrome. Last evaluated: 2024-03-07. Review status: criteria provided, single submitter. Criteria: ACMG Guidelines, 2015. Collection method: clinical testing. Allele origin: germline.
Comment: This missense variant replaces arginine with lysine at codon 2273 of the ATM protein. Computational prediction suggests that this variant may not impact protein structure and function (internally defined REVEL score threshold <= 0.5, PMID: 27666373). To our knowledge, functional studies have not been reported for this variant. This variant has not been reported in individuals affected with ATM-related disorders in the literature. This variant has not been identified in the general population by the Genome Aggregation Database (gnomAD). The available evidence is insufficient to determine the role of this variant in disease conclusively. Therefore, this variant is classified as a Variant of Uncertain Significance.

GeneDx
Classification: Uncertain significance. Last evaluated: 2020-12-09. Review status: criteria provided, single submitter. Criteria: GeneDx Variant Classification Process June 2021. Collection method: clinical testing. Allele origin: germline. Affected: yes.
Comment: Not observed in large population cohorts (Lek 2016); In silico analysis supports that this missense variant does not alter protein structure/function; Has not been previously published as pathogenic or benign to our knowledge